The following is an entry in ClinVar:

ClinVar aggregate classification (germline): Uncertain significance (1 of 4 stars; one submission).

Submission:

Labcorp Genetics (formerly Invitae), Labcorp
Classification: Uncertain significance. Last evaluated: 2024-12-30. Review status: criteria provided, single submitter. Criteria: Invitae Variant Classification Sherloc (09022015). Collection method: clinical testing. Allele origin: germline.
Comment: This sequence change replaces methionine, which is neutral and non-polar, with leucine, which is neutral and non-polar, at codon 169 of the COL4A1 protein (p.Met169Leu). This variant is not present in population databases (gnomAD no frequency). This variant has not been reported in the literature in individuals affected with COL4A1-related conditions. Invitae Evidence Modeling of protein sequence and biophysical properties (such as structural, functional, and spatial information, amino acid conservation, physicochemical variation, residue mobility, and thermodynamic stability) indicates that this missense variant is not expected to disrupt COL4A1 protein function with a negative predictive value of 95%. In summary, the available evidence is currently insufficient to determine the role of this variant in disease. Therefore, it has been classified as a Variant of Uncertain Significance.

NM_001845.6(COL4A1):c.505A>T (p.Met169Leu)

Gene: COL4A1 (collagen type IV alpha 1 chain; minus strand). Cytogenetic location: 13q34.
Variant type: single nucleotide variant.
Coding change: c.505A>T on transcript NM_001845.6 (MANE Select); coding-DNA position 505, A replaced by T.
Protein change: p.Met169Leu; replaces methionine 169 with leucine.
Molecular consequence: missense variant.
Genome position (GRCh38, 1-based): chr13:110,210,176, T>A on the plus strand (A>T on the coding strand, the complement: COL4A1 is on the minus strand). VCF-style: chr13-110210176-T-A. GRCh37 (hg19) VCF-style: chr13-110862523-T-A.
Other names: c.505A>T, p.Met169Leu (NM_001303110.2); short protein forms M169L.
Identifiers: ClinVar variation 3624861 (VCV003624861.2).